The following is an entry in ClinVar:

ClinVar aggregate classification (germline): Likely benign (1 of 4 stars; one submission).

Submission:

CeGaT Center for Human Genetics Tuebingen
Classification: Likely benign. Last evaluated: 2025-08-01. Review status: criteria provided, single submitter. Criteria: CeGaT Center For Human Genetics Tuebingen Variant Classification Criteria Version 2. Collection method: clinical testing. Allele origin: germline. Affected: yes. Observed: 1 variant allele.
Comment: WASH6P: BP4, BP7

NC_000023.11:g.156022415C>A

Variant type: single nucleotide variant.
Genome position: GRCh38 VCF-style: chrX-156022415-C-A. GRCh37 (hg19) VCF-style: chrX-155252080-C-A.
Identifiers: ClinVar variation 4085007 (VCV004085007.8).